The following is an entry in ClinVar:

NM_020928.2(ZSWIM6):c.17A>C (p.Gln6Pro)

Gene: ZSWIM6 (zinc finger SWIM-type containing 6; plus strand). Cytogenetic location: 5q12.1.
Variant type: single nucleotide variant.
Coding change: c.17A>C on transcript NM_020928.2 (MANE Select); coding-DNA position 17, A replaced by C.
Protein change: p.Gln6Pro; replaces glutamine 6 with proline.
Molecular consequence: missense variant.
Genome position (GRCh38, 1-based): chr5:61,332,289, A>C. VCF-style: chr5-61332289-A-C. GRCh37 (hg19) VCF-style: chr5-60628116-A-C.
Other names: short protein forms Q6P.
Identifiers: ClinVar variation 4881073 (VCV004881073.2).

ClinVar aggregate classification (germline): Uncertain significance (1 of 4 stars; one submission).

gnomAD v4.1: 2 of 1,165,576 alleles (0.00017%); highest among the groups gnomAD compares: South Asian, 0.0042%; no homozygotes.

Submission:

Dasa
Classification: Uncertain significance. Last evaluated: 2024-11-12. Review status: criteria provided, single submitter. Criteria: DASA Assertion Criteria. Collection method: clinical testing. Allele origin: germline.
Comment: NM_020928.2(ZSWIM6):c.17A>C (p.Gln6Pro) is a missense variant that results in the substitution of glutamine with proline. This variant is rare in population databases. Computational prediction algorithms are consistent with a benign effect. The currently available literature and clinical evidence are not sufficient to establish a definitive association between this variant and the reported condition. Therefore, this variant is classified as a variant of uncertain significance.